The following is an entry in ClinVar:

NM_000548.5(TSC2):c.1856T>A (p.Leu619Ter)

Gene: TSC2 (TSC complex subunit 2; plus strand). Cytogenetic location: 16p13.3.
Variant type: single nucleotide variant.
Coding change: c.1856T>A on transcript NM_000548.5 (MANE Select); coding-DNA position 1856, T replaced by A.
Protein change: p.Leu619Ter; replaces leucine 619 with a stop codon.
Molecular consequence: nonsense. On other transcripts: non-coding transcript variant (5).
Genome position (GRCh38, 1-based): chr16:2,071,526, T>A. VCF-style: chr16-2071526-T-A. GRCh37 (hg19) VCF-style: chr16-2121527-T-A.
Other names: c.1856T>A, p.Leu619Ter (NM_001077183.3, NM_001114382.3, NM_001363528.2 and 6 more transcripts); c.1745T>A, p.Leu582Ter (NM_001318827.2, NM_001406670.1, NM_001406678.1); c.1709T>A, p.Leu570Ter (NM_001318829.2, NM_001406675.1, NM_001406676.1 and 1 more transcripts); c.1256T>A, p.Leu419Ter (NM_001318831.2, NM_001406683.1, NM_001406684.1 and 6 more transcripts); c.1889T>A, p.Leu630Ter (NM_001318832.2); c.1946T>A, p.Leu649Ter (NM_001406667.1, NM_001406668.1); c.512T>A, p.Leu171Ter (NM_001406689.1, NM_001406690.1, NM_001406691.1 and 6 more transcripts); c.254T>A, p.Leu85Ter (NM_001406698.1); and 3 more; short protein forms L171*, L419*, L465*, L570*, L582*, L600*, L615*, L619*.
Identifiers: ClinVar variation 3236707 (VCV003236707.1), dbSNP rs2543673284, ClinGen allele CA394273061.
Genomic context (GRCh38, chr16:2,071,526, plus strand): 5'-CTGCACGAGCTTGGCTCTGGCTTTCACCATCCTCTTCCTGACAGGCCTTTGACTTCCTGT[T>A]GCTGCTGCGGGCCGACTCACTGCACCGCCTGGGCCTGCCCAACAAGGATGGAGTCGTGCG-3'

ClinVar aggregate classification (germline): Pathogenic (1 of 4 stars; one submission).

Conditions:
Tuberous sclerosis syndrome (TSC). Also called: Tuberous Sclerosis Complex; Tuberous sclerosis. Identifiers: Orphanet 805, MedGen C0041341, MONDO:0001734.

Submission:

Cambridge Genomics Laboratory, East Genomic Laboratory Hub, NHS Genomic Medicine Service
Classification: Pathogenic for Tuberous sclerosis. Last evaluated: 2023-12-13. Review status: criteria provided, single submitter. Criteria: ACGS Best Practice Guidelines for Variant Classification in Rare Disease 2020. Collection method: clinical testing. Allele origin: germline. Affected: yes.
Comment: PVS1,PM2,PP4